The following is an entry in ClinVar:

ClinVar aggregate classification (germline): Uncertain significance (1 of 4 stars; one submission).

Conditions:
Cardiac arrhythmia. Also called: Arrhythmia; Cardiac rhythm disease. Identifiers: MedGen C0003811, MONDO:0007263, HP:0011675.

gnomAD v4.1: 1 of 1,613,560 alleles (0.000062%); highest among the groups gnomAD compares: African/African-American, 0.0013%; no homozygotes.

Submission:

Labcorp Genetics (formerly Invitae), Labcorp
Classification: Uncertain significance for Cardiac arrhythmia. Last evaluated: 2021-05-13. Review status: criteria provided, single submitter. Criteria: Invitae Variant Classification Sherloc (09022015). Collection method: clinical testing. Allele origin: germline.
Comment: In summary, the available evidence is currently insufficient to determine the role of this variant in disease. Therefore, it has been classified as a Variant of Uncertain Significance. Algorithms developed to predict the effect of missense changes on protein structure and function are either unavailable or do not agree on the potential impact of this missense change (SIFT: "Tolerated"; PolyPhen-2: "Possibly Damaging"; Align-GVGD: "Class C0"). This variant has not been reported in the literature in individuals with RANGRF-related conditions. This variant is not present in population databases (ExAC no frequency). This sequence change replaces alanine with glycine at codon 62 of the RANGRF protein (p.Ala62Gly). The alanine residue is moderately conserved and there is a small physicochemical difference between alanine and glycine.

NM_016492.5(RANGRF):c.185C>G (p.Ala62Gly)

Genes: SLC25A35 (solute carrier family 25 member 35; minus strand), RANGRF (RAN guanine nucleotide release factor; plus strand). Cytogenetic location: 17p13.1.
Variant type: single nucleotide variant.
Coding change: c.185C>G on transcript NM_016492.5 (MANE Select); coding-DNA position 185, C replaced by G.
Protein change: p.Ala62Gly; replaces alanine 62 with glycine.
Molecular consequence: missense variant. On other transcripts: 3 prime UTR variant (2), non-coding transcript variant (2), intron variant (1).
Genome position (GRCh38, 1-based): chr17:8,289,063, C>G. VCF-style: chr17-8289063-C-G. GRCh37 (hg19) VCF-style: chr17-8192381-C-G.
Other names: c.185C>G, p.Ala62Gly (NM_001177801.2, NM_001177802.2, NM_001330127.2); c.*420G>C (NM_001320872.2); c.*553G>C (NM_201520.3); c.*42+511G>C (NM_001320871.2); short protein forms A62G.
Identifiers: ClinVar variation 1507967 (VCV001507967.8), dbSNP rs1270315228, ClinGen allele CA397994430.